The following is an entry in ClinVar:

ClinVar aggregate classification (germline): Benign/Likely benign. Review status: criteria provided, multiple submitters, no conflicts (2 of 4 stars). 4 submissions from 4 submitters: Benign (1); Likely benign (3). Last evaluated 2025-10-01.

Conditions:
Short stature-pituitary and cerebellar defects-small sella turcica syndrome (CPHD4). Also called: Pituitary hormone deficiency, combined with or without cerebellar defects; Short stature, pituitary and cerebellar defects and small sella turcica. Identifiers: Orphanet 85442, MedGen C2678408, MONDO:0009880, OMIM 262700.

Allele frequency attached by ClinVar (database versions not stated): 1000 Genomes Project 0.00060; 1000 Genomes Project 30x 0.00078; ExAC 0.00124; gnomAD exomes 0.00128 and 0.00235; ESP Exome Variant Server 0.00131; TOPMed 0.00131; gnomAD 0.00159.
gnomAD v4.1: 3,591 of 1,614,216 alleles (0.22%); highest among the groups gnomAD compares: Non-Finnish European, 0.28%; 11 homozygotes.

Submissions (4):

CeGaT Center for Human Genetics Tuebingen
Classification: Likely benign. Last evaluated: 2025-10-01. Review status: criteria provided, single submitter. Criteria: CeGaT Center For Human Genetics Tuebingen Variant Classification Criteria Version 2. Collection method: clinical testing. Allele origin: germline. Affected: yes. Observed: 1 variant allele.
Comment: LHX4: BP4, BP7, BS2

Labcorp Genetics (formerly Invitae), Labcorp
Classification: Benign. Last evaluated: 2025-07-06. Review status: criteria provided, single submitter. Criteria: Invitae Variant Classification Sherloc (09022015). Collection method: clinical testing. Allele origin: germline.

Blueprint Genetics
Classification: Likely benign. Last evaluated: 2024-10-17. Review status: criteria provided, single submitter. Criteria: ACMG Guidelines, 2015. Collection method: clinical testing. Allele origin: germline.

Illumina Laboratory Services, Illumina
Classification: Likely benign for Short stature-pituitary and cerebellar defects-small sella turcica syndrome. Last evaluated: 2018-01-13. Review status: criteria provided, single submitter. Criteria: ICSL Variant Classification Criteria 13 December 2019. Collection method: clinical testing. Allele origin: germline.
Comment: This variant was observed in the ICSL laboratory as part of a predisposition screen in an ostensibly healthy population. It had not been previously curated by ICSL or reported in the Human Gene Mutation Database (HGMD: prior to June 1st, 2018), and was therefore a candidate for classification through an automated scoring system. Utilizing variant allele frequency, disease prevalence and penetrance estimates, and inheritance mode, an automated score was calculated to assess if this variant is too frequent to cause the disease. Based on the score and internal cut-off values, a variant classified as likely benign is not then subjected to further curation. The score for this variant resulted in a classification of likely benign for this disease.

NM_033343.4(LHX4):c.924T>C (p.Tyr308=)

Genes: ACBD6 (acyl-CoA binding domain containing 6; minus strand), LHX4 (LIM homeobox 4; plus strand), LHX4-AS1 (LHX4 antisense RNA 1; minus strand). Cytogenetic location: 1q25.2.
Variant type: single nucleotide variant.
Coding change: c.924T>C on transcript NM_033343.4 (MANE Select); coding-DNA position 924, T replaced by C.
Protein change: p.Tyr308=; no amino-acid change (tyrosine 308 retained).
Molecular consequence: synonymous variant.
Genome position (GRCh38, 1-based): chr1:180,274,330, T>C. VCF-style: chr1-180274330-T-C. GRCh37 (hg19) VCF-style: chr1-180243465-T-C.
Identifiers: ClinVar variation 293870 (VCV000293870.21), dbSNP rs146655496, ClinGen allele CA1272052.